The following is an entry in ClinVar:

ClinVar aggregate classification (germline): Uncertain significance (1 of 4 stars; one submission).

Submission:

GeneDx
Classification: Uncertain significance. Last evaluated: 2022-01-24. Review status: criteria provided, single submitter. Criteria: GeneDx Variant Classification Process June 2021. Collection method: clinical testing. Allele origin: germline. Affected: yes.
Comment: Not observed at significant frequency in large population cohorts (gnomAD); In silico analysis supports that this missense variant has a deleterious effect on protein structure/function; Has not been previously published as pathogenic or benign to our knowledge

NM_001128178.3(NPHP1):c.374A>T (p.Asp125Val)

Gene: NPHP1 (nephrocystin 1; minus strand). Cytogenetic location: 2q13.
Variant type: single nucleotide variant.
Coding change: c.374A>T on transcript NM_001128178.3 (MANE Select); coding-DNA position 374, A replaced by T.
Protein change: p.Asp125Val; replaces aspartic acid 125 with valine.
Molecular consequence: missense variant.
Genome position (GRCh38, 1-based): chr2:110,169,954, T>A on the plus strand (A>T on the coding strand, the complement: NPHP1 is on the minus strand). VCF-style: chr2-110169954-T-A. GRCh37 (hg19) VCF-style: chr2-110927531-T-A.
Other names: c.374A>T, p.Asp125Val (NM_000272.5, NM_001374256.1, NM_001374257.1 and 1 more transcripts); c.188A>T, p.Asp63Val (NM_001128179.3); short protein forms D125V, D63V.
Identifiers: ClinVar variation 1698205 (VCV001698205.2), dbSNP rs2104578757, ClinGen allele CA348093119.